The following is an entry in ClinVar:

NM_015965.7(NDUFA13):c.263G>A (p.Arg88Gln)

Gene: NDUFA13 (NADH:ubiquinone oxidoreductase subunit A13; plus strand). Cytogenetic location: 19p13.11.
Variant type: single nucleotide variant.
Coding change: c.263G>A on transcript NM_015965.7 (MANE Select); coding-DNA position 263, G replaced by A.
Protein change: p.Arg88Gln; replaces arginine 88 with glutamine.
Molecular consequence: missense variant.
Genome position (GRCh38, 1-based): chr19:19,527,718, G>A. VCF-style: chr19-19527718-G-A. GRCh37 (hg19) VCF-style: chr19-19638527-G-A.
Other names: short protein forms R88Q.
Identifiers: ClinVar variation 3620830 (VCV003620830.2).

ClinVar aggregate classification (germline): Uncertain significance (1 of 4 stars; one submission).

Submission:

Labcorp Genetics (formerly Invitae), Labcorp
Classification: Uncertain significance. Last evaluated: 2024-08-24. Review status: criteria provided, single submitter. Criteria: Invitae Variant Classification Sherloc (09022015). Collection method: clinical testing. Allele origin: germline.
Comment: This sequence change replaces arginine, which is basic and polar, with glutamine, which is neutral and polar, at codon 88 of the NDUFA13 protein (p.Arg88Gln). This variant is present in population databases (no rsID available, gnomAD 0.01%). This variant has not been reported in the literature in individuals affected with NDUFA13-related conditions. An algorithm developed to predict the effect of missense changes on protein structure and function (PolyPhen-2) suggests that this variant is likely to be tolerated. In summary, the available evidence is currently insufficient to determine the role of this variant in disease. Therefore, it has been classified as a Variant of Uncertain Significance.